The following is an entry in ClinVar:

ClinVar aggregate classification (germline): Benign/Likely benign. Review status: criteria provided, multiple submitters, no conflicts (2 of 4 stars). 3 submissions from 3 submitters: Benign (1); Likely benign (2). Last evaluated 2026-01-12.

Conditions:
Hypotrichosis 6 (HYPT6). Also called: HYPOTRICHOSIS, LOCALIZED, AUTOSOMAL RECESSIVE 1; MONILETHRIX-LIKE HYPOTRICHOSIS. Identifiers: Orphanet 55654, MedGen C1842839, MONDO:0011932, OMIM 607903.

Allele frequency attached by ClinVar (database versions not stated): 1000 Genomes Project 0.00339; 1000 Genomes Project 30x 0.00344; TOPMed 0.00911; gnomAD exomes 0.01080 and 0.01589; ExAC 0.01089; gnomAD 0.01107 and 0.01169; ESP Exome Variant Server 0.01130.
gnomAD v4.1: 24,700 of 1,613,914 alleles (1.5%); highest among the groups gnomAD compares: Non-Finnish European, 1.9%; 228 homozygotes.

Submissions (3):

Labcorp Genetics (formerly Invitae), Labcorp
Classification: Benign. Last evaluated: 2026-01-12. Review status: criteria provided, single submitter. Criteria: Invitae Variant Classification Sherloc (09022015). Collection method: clinical testing. Allele origin: germline.

Illumina Laboratory Services, Illumina
Classification: Likely benign for Hypotrichosis 6. Last evaluated: 2018-01-13. Review status: criteria provided, single submitter. Criteria: ICSL Variant Classification Criteria 13 December 2019. Collection method: clinical testing. Allele origin: germline.
Comment: This variant was observed in the ICSL laboratory as part of a predisposition screen in an ostensibly healthy population. It had not been previously curated by ICSL or reported in the Human Gene Mutation Database (HGMD: prior to June 1st, 2018), and was therefore a candidate for classification through an automated scoring system. Utilizing variant allele frequency, disease prevalence and penetrance estimates, and inheritance mode, an automated score was calculated to assess if this variant is too frequent to cause the disease. Based on the score and internal cut-off values, a variant classified as likely benign is not then subjected to further curation. The score for this variant resulted in a classification of likely benign for this disease.

Breakthrough Genomics
Classification: Likely benign. Review status: criteria provided, single submitter. Criteria: ACMG Guidelines, 2015. Collection method: not provided. Allele origin: germline. Inheritance: Autosomal recessive inheritance. Affected: yes.

NM_177986.5(DSG4):c.1487A>G (p.Asn496Ser)

Genes: DSG1-AS1 (DSG1 antisense RNA 1; minus strand), DSG4 (desmoglein 4; plus strand). Cytogenetic location: 18q12.1.
Variant type: single nucleotide variant.
Coding change: c.1487A>G on transcript NM_177986.5 (MANE Select); coding-DNA position 1487, A replaced by G.
Protein change: p.Asn496Ser; replaces asparagine 496 with serine.
Molecular consequence: missense variant.
Genome position (GRCh38, 1-based): chr18:31,403,485, A>G. VCF-style: chr18-31403485-A-G. GRCh37 (hg19) VCF-style: chr18-28983448-A-G.
Other names: c.1487A>G, p.Asn496Ser (NM_001134453.3); short protein forms N496S.
Identifiers: ClinVar variation 326436 (VCV000326436.10), dbSNP rs117510013, ClinGen allele CA8927028.